The following is an entry in ClinVar:

ClinVar aggregate classification (germline): Pathogenic. Review status: criteria provided, single submitter (1 of 4 stars). 2 submissions from 2 submitters: Pathogenic (1). 1 of the submissions does not count toward it. Last evaluated 2025-12-08.

Conditions:
Walker-Warburg congenital muscular dystrophy. Also called: Muscular dystrophy-dystroglycanopathy, type A; Walker-Warburg syndrome. Identifiers: Orphanet 899, MedGen C0265221, MONDO:0000171.
Muscular dystrophy-dystroglycanopathy (congenital with brain and eye anomalies), type A, 4 (MDDGA4). Also called: Congenital muscular dystrophy-dystroglycanopathy with brain and eye anomalies, type A4; Walker-Warburg Syndrome, Fktn-Related; Muscular dystrophy, congenital progressive, with mental retardation; Muscular dystrophy, congenital, with central nervous system involvement; Cerebromuscular dystrophy, Fukuyama type; Fukuyama congenital muscular dystrophy. Identifiers: Orphanet 272, Orphanet 588, Orphanet 899, MedGen C0410174, MONDO:0009678, OMIM 253800.

Allele frequency attached by ClinVar (database versions not stated): TOPMed below 0.00001.

Submissions (2):

Labcorp Genetics (formerly Invitae), Labcorp
Classification: Pathogenic for Walker-Warburg congenital muscular dystrophy. Last evaluated: 2025-12-08. Review status: criteria provided, single submitter. Criteria: Invitae Variant Classification Sherloc (09022015). Collection method: clinical testing. Allele origin: germline.
Comment: This sequence change creates a premature translational stop signal (p.Asn422Serfs*24) in the FKTN gene. While this is not anticipated to result in nonsense mediated decay, it is expected to disrupt the last 41 amino acid(s) of the FKTN protein. This variant is not present in population databases (gnomAD no frequency). This variant has not been reported in the literature in individuals affected with FKTN-related conditions. ClinVar contains an entry for this variant (Variation ID: 558217). This variant disrupts a region of the FKTN protein in which other variant(s) (p.Asp455Metfs*12) have been determined to be pathogenic (PMID: 17044012). This suggests that this is a clinically significant region of the protein, and that variants that disrupt it are likely to be disease-causing. For these reasons, this variant has been classified as Pathogenic.

Counsyl
Classification: Uncertain significance for Muscular dystrophy-dystroglycanopathy (congenital with brain and eye anomalies), type A, 4. Last evaluated: 2018-05-08. Review status: no assertion criteria provided. Collection method: clinical testing. Allele origin: unknown. Not counted in ClinVar's aggregate classification.

Literature cited by the submitters: PubMed 17044012 (cited by Labcorp Genetics (formerly Invitae), Labcorp).

NM_001079802.2(FKTN):c.1264_1286del (p.Asn422fs)

Gene: FKTN (fukutin; plus strand). Cytogenetic location: 9q31.2.
Variant type: Deletion.
Coding change: c.1264_1286del on transcript NM_001079802.2 (MANE Select); coding-DNA positions 1264 to 1286, 23 bases deleted (AACTATGGTAAGACCTGGAAGAT).
Protein change: p.Asn422fs; shifts the reading frame from asparagine 422.
Molecular consequence: frameshift variant. On other transcripts: 3 prime UTR variant (1), non-coding transcript variant (2), splice donor variant (1).
Genome position (GRCh38, 1-based): chr9:105,635,142-105,635,164, AACTATGGTAAGACCTGGAAGAT deleted. VCF-style (leftmost placement, unchanged base first): chr9-105635141-CAACTATGGTAAGACCTGGAAGAT-C. GRCh37 (hg19) VCF-style: chr9-108397422-CAACTATGGTAAGACCTGGAAGAT-C.
Other names: c.1264_1286del, p.Asn422fs (NM_001351496.2, NM_006731.2); c.1195_1217del, p.Asn399fs (NM_001351497.2); c.*56_*78del (NM_001351498.2); c.868_890del, p.Asn290fs (NM_001351499.2, NM_001351500.2, NM_001351501.2 and 1 more transcripts); c.1264_1270+16del (NM_001198963.2); c.1264_1286del23 (NM_001079802.1); short protein forms N399fs, N422fs, N290fs.
Identifiers: ClinVar variation 558217 (VCV000558217.7), dbSNP rs1554766898, ClinGen allele CA658822041.